The following is an entry in ClinVar:

NM_003126.4(SPTA1):c.2098C>T (p.Gln700Ter)

Gene: SPTA1 (spectrin alpha, erythrocytic 1; minus strand). Cytogenetic location: 1q23.1.
Variant type: single nucleotide variant.
Coding change: c.2098C>T on transcript NM_003126.4 (MANE Select); coding-DNA position 2098, C replaced by T.
Protein change: p.Gln700Ter; replaces glutamine 700 with a stop codon.
Molecular consequence: nonsense.
Genome position (GRCh38, 1-based): chr1:158,666,438, G>A on the plus strand (C>T on the coding strand, the complement: SPTA1 is on the minus strand). VCF-style: chr1-158666438-G-A. GRCh37 (hg19) VCF-style: chr1-158636228-G-A.
Other names: p.Gln700*; short protein forms Q700*.
Identifiers: ClinVar variation 4541706 (VCV004541706.1).
Genomic context (GRCh38, chr1:158,666,438, plus strand): 5'-CCAGGCCTTTCCCATAATCCTCAGAGGTGACTTGCCACTCAACATCCTCCAGCCAGCGCT[G>A]CAAATCTTCTGCATTATTTTCAAATTGCAGCTGCTGGTTGGCCTCATGCAACTGGGTCCC-3'

ClinVar aggregate classification (germline): Likely pathogenic (1 of 4 stars; one submission).

Submission:

Mayo Clinic Laboratories, Mayo Clinic
Classification: Likely pathogenic. Last evaluated: 2025-10-07. Review status: criteria provided, single submitter. Criteria: ACMG Guidelines, 2015. Collection method: clinical testing. Allele origin: germline. Observed: 1 variant allele.
Comment: PM2_supporting, PVS1